The following is an entry in ClinVar:

NM_002693.3(POLG):c.1643G>C (p.Cys548Ser)

Genes: POLG (DNA polymerase gamma, catalytic subunit; minus strand), POLGARF (POLG alternative reading frame; minus strand). Cytogenetic location: 15q26.1.
Variant type: single nucleotide variant.
Coding change: c.1643G>C on transcript NM_002693.3 (MANE Select); coding-DNA position 1643, G replaced by C.
Protein change: p.Cys548Ser; replaces cysteine 548 with serine.
Molecular consequence: missense variant.
Genome position (GRCh38, 1-based): chr15:89,326,681, C>G on the plus strand (G>C on the coding strand, the complement: POLG is on the minus strand). VCF-style: chr15-89326681-C-G. GRCh37 (hg19) VCF-style: chr15-89869912-C-G.
Other names: c.1643G>C, p.Cys548Ser (NM_001126131.2); short protein forms C548S.
Identifiers: ClinVar variation 1306996 (VCV001306996.2), dbSNP rs2152066680, ClinGen allele CA393760562.

ClinVar aggregate classification (germline): Uncertain significance (1 of 4 stars; one submission).

Submission:

GeneDx
Classification: Uncertain significance. Last evaluated: 2019-07-25. Review status: criteria provided, single submitter. Criteria: GeneDx Variant Classification Process June 2021. Collection method: clinical testing. Allele origin: germline. Affected: yes.
Comment: Not observed in large population cohorts (Lek et al., 2016); In silico analysis, which includes protein predictors and evolutionary conservation, supports that this variant does not alter protein structure/function; Has not been previously published as pathogenic or benign to our knowledge